The following is an entry in ClinVar:

ClinVar aggregate classification (germline): Uncertain significance (1 of 4 stars; one submission).

Submission:

Greenwood Genetic Center Diagnostic Laboratories, Greenwood Genetic Center
Classification: Uncertain significance. Last evaluated: 2023-11-15. Review status: criteria provided, single submitter. Criteria: ACMG Guidelines, 2015. Collection method: clinical testing. Allele origin: germline. Affected: yes.
Comment: PM2, PP3

NM_003128.3(SPTBN1):c.6046+5G>A

Gene: SPTBN1 (spectrin beta, non-erythrocytic 1; plus strand). Cytogenetic location: 2p16.2.
Variant type: single nucleotide variant.
Coding change: c.6046+5G>A on transcript NM_003128.3 (MANE Select); 5 bases into the intron after coding-DNA position 6046, G replaced by A.
Molecular consequence: intron variant.
Genome position (GRCh38, 1-based): chr2:54,656,003, G>A. VCF-style: chr2-54656003-G-A. GRCh37 (hg19) VCF-style: chr2-54883140-G-A.
Other names: c.6007+5G>A (NM_178313.3).
Identifiers: ClinVar variation 2692464 (VCV002692464.1), dbSNP rs2549571147, ClinGen allele CA2697548168.
Genomic context (GRCh38, chr2:54,656,003, plus strand): 5'-AAAGAGGAAAGAAATGATCGACAAGTGGGAAGACCGATGGGAATGGTTAAGACTGAGTAA[G>A]GATGTAGTTTATCTTTCTGCTCTTTTGGGTATCAATGGAAAACATGCACGTTTATTTTCT-3'